The following is an entry in ClinVar:

NM_015295.3(SMCHD1):c.5387A>C (p.Asn1796Thr)

Gene: SMCHD1 (structural maintenance of chromosomes flexible hinge domain containing 1; plus strand). Cytogenetic location: 18p11.32.
Variant type: single nucleotide variant.
Coding change: c.5387A>C on transcript NM_015295.3 (MANE Select); coding-DNA position 5387, A replaced by C.
Protein change: p.Asn1796Thr; replaces asparagine 1796 with threonine.
Molecular consequence: missense variant.
Genome position (GRCh38, 1-based): chr18:2,777,826, A>C. VCF-style: chr18-2777826-A-C. GRCh37 (hg19) VCF-style: chr18-2777824-A-C.
Other names: c.5387A>C (NM_015295.2); short protein forms N1796T.
Identifiers: ClinVar variation 1427886 (VCV001427886.9), dbSNP rs760754729, ClinGen allele CA8871717.

ClinVar aggregate classification (germline): Uncertain significance. Review status: criteria provided, multiple submitters, no conflicts (2 of 4 stars). 2 submissions from 2 submitters: Uncertain significance (2). Last evaluated 2025-10-12.

Conditions:
Inborn genetic diseases. Identifiers: MedGen C0950123, MeSH D030342.
Facioscapulohumeral muscular dystrophy 2 (FSHD2). Also called: MUSCULAR DYSTROPHY, FACIOSCAPULOHUMERAL, TYPE 1B; FACIOSCAPULOHUMERAL MUSCULAR DYSTROPHY 2, DIGENIC; FSHD2, DIGENIC. Identifiers: Orphanet 269, MedGen C1834671, MONDO:0008031, OMIM 158901.

Allele frequency attached by ClinVar (database versions not stated): gnomAD 0.00001; gnomAD exomes 0.00001 and 0.00005; TOPMed 0.00002; ExAC 0.00004.
gnomAD v4.1: 12 of 1,537,058 alleles (0.00078%); highest among the groups gnomAD compares: Admixed American, 0.022%; no homozygotes.

Submissions (2):

Labcorp Genetics (formerly Invitae), Labcorp
Classification: Uncertain significance for Facioscapulohumeral muscular dystrophy 2. Last evaluated: 2025-10-12. Review status: criteria provided, single submitter. Criteria: Invitae Variant Classification Sherloc (09022015). Collection method: clinical testing. Allele origin: germline.
Comment: This sequence change replaces asparagine, which is neutral and polar, with threonine, which is neutral and polar, at codon 1796 of the SMCHD1 protein (p.Asn1796Thr). This variant is present in population databases (rs760754729, gnomAD 0.03%). This variant has not been reported in the literature in individuals affected with SMCHD1-related conditions. ClinVar contains an entry for this variant (Variation ID: 1427886). Invitae Evidence Modeling of protein sequence and biophysical properties (such as structural, functional, and spatial information, amino acid conservation, physicochemical variation, residue mobility, and thermodynamic stability) has been performed for this missense variant. However, the output from this modeling did not meet the statistical confidence thresholds required to predict the impact of this variant on SMCHD1 protein function. In summary, the available evidence is currently insufficient to determine the role of this variant in disease. Therefore, it has been classified as a Variant of Uncertain Significance.

Ambry Genetics
Classification: Uncertain significance for Inborn genetic diseases. Last evaluated: 2024-07-14. Review status: criteria provided, single submitter. Criteria: Ambry Variant Classification Scheme 2023. Collection method: clinical testing. Allele origin: germline.